The following is an entry in ClinVar:

ClinVar aggregate classification (germline): Uncertain significance. Review status: criteria provided, multiple submitters, no conflicts (2 of 4 stars). 3 submissions from 3 submitters: Uncertain significance (3). Last evaluated 2024-11-22.

Conditions:
Hereditary cancer-predisposing syndrome. Also called: Neoplastic Syndromes, Hereditary; Hereditary neoplastic syndrome; Hereditary Cancer Syndrome; Tumor predisposition. Identifiers: Orphanet 140162, MedGen C0027672, MeSH D009386, MONDO:0015356.
Gorlin syndrome. Also called: Basal cell nevus syndrome; Nevoid Basal Cell Carcinoma Syndrome. Identifiers: Orphanet 377, MedGen C0004779, MONDO:0007187.

Allele frequency attached by ClinVar (database versions not stated): gnomAD below 0.00001 and 0.00001; gnomAD exomes below 0.00001.
gnomAD v4.1: 2 of 1,613,954 alleles (0.00012%); highest among the groups gnomAD compares: South Asian, 0.0022%; no homozygotes.

Submissions (3):

GeneDx
Classification: Uncertain significance. Last evaluated: 2024-11-22. Review status: criteria provided, single submitter. Criteria: GeneDx Variant Classification Process June 2021. Collection method: clinical testing. Allele origin: germline. Affected: yes.
Comment: Not observed at significant frequency in large population cohorts (gnomAD); In silico analysis indicates that this missense variant does not alter protein structure/function; Has not been previously published as pathogenic or benign to our knowledge; This variant is associated with the following publications: (PMID: 11369205)

Labcorp Genetics (formerly Invitae), Labcorp
Classification: Uncertain significance for Gorlin syndrome. Last evaluated: 2024-06-13. Review status: criteria provided, single submitter. Criteria: Invitae Variant Classification Sherloc (09022015). Collection method: clinical testing. Allele origin: germline.
Comment: This sequence change replaces alanine, which is neutral and non-polar, with threonine, which is neutral and polar, at codon 586 of the PTCH1 protein (p.Ala586Thr). This variant is not present in population databases (gnomAD no frequency). This variant has not been reported in the literature in individuals affected with PTCH1-related conditions. ClinVar contains an entry for this variant (Variation ID: 998590). Advanced modeling of protein sequence and biophysical properties (such as structural, functional, and spatial information, amino acid conservation, physicochemical variation, residue mobility, and thermodynamic stability) performed at Invitae indicates that this missense variant is not expected to disrupt PTCH1 protein function with a negative predictive value of 95%. In summary, the available evidence is currently insufficient to determine the role of this variant in disease. Therefore, it has been classified as a Variant of Uncertain Significance.

Ambry Genetics
Classification: Uncertain significance for Hereditary cancer-predisposing syndrome. Last evaluated: 2022-02-16. Review status: criteria provided, single submitter. Criteria: Ambry Variant Classification Scheme 2023. Collection method: clinical testing. Allele origin: germline.
Comment: The p.A586T variant (also known as c.1756G>A), located in coding exon 13 of the PTCH1 gene, results from a G to A substitution at nucleotide position 1756. The alanine at codon 586 is replaced by threonine, an amino acid with similar properties. This amino acid position is conserved. In addition, this alteration is predicted to be deleterious by in silico analysis. Since supporting evidence is limited at this time, the clinical significance of this alteration remains unclear.

NM_000264.5(PTCH1):c.1756G>A (p.Ala586Thr)

Genes: PTCH1 (patched 1; minus strand), LOC100507346 (uncharacterized LOC100507346; plus strand). Cytogenetic location: 9q22.32.
Variant type: single nucleotide variant.
Coding change: c.1756G>A on transcript NM_000264.5 (MANE Select); coding-DNA position 1756, G replaced by A.
Protein change: p.Ala586Thr; replaces alanine 586 with threonine.
Molecular consequence: missense variant. On other transcripts: non-coding transcript variant (2).
Genome position (GRCh38, 1-based): chr9:95,469,904, C>T on the plus strand (G>A on the coding strand, the complement: PTCH1 is on the minus strand). VCF-style: chr9-95469904-C-T. GRCh37 (hg19) VCF-style: chr9-98232186-C-T.
Other names: c.1558G>A, p.Ala520Thr (NM_001083602.3); c.1753G>A, p.Ala585Thr (NM_001083603.3); c.1303G>A, p.Ala435Thr (NM_001083604.3, NM_001083605.3, NM_001083606.3 and 1 more transcripts); c.1600G>A, p.Ala534Thr (NM_001354918.2); short protein forms A435T, A520T, A534T, A585T, A586T.
Identifiers: ClinVar variation 998590 (VCV000998590.12), dbSNP rs1699771172, ClinGen allele CA374116421.